The following is an entry in ClinVar:

NM_014862.4(ARNT2):c.785G>A (p.Arg262Lys)

Gene: ARNT2 (aryl hydrocarbon receptor nuclear translocator 2; plus strand). Cytogenetic location: 15q25.1.
Variant type: single nucleotide variant.
Coding change: c.785G>A on transcript NM_014862.4 (MANE Select); coding-DNA position 785, G replaced by A.
Protein change: p.Arg262Lys; replaces arginine 262 with lysine.
Molecular consequence: missense variant.
Genome position (GRCh38, 1-based): chr15:80,513,970, G>A. VCF-style: chr15-80513970-G-A. GRCh37 (hg19) VCF-style: chr15-80806311-G-A.
Other names: c.785G>A (NM_014862.3); short protein forms R262K.
Identifiers: ClinVar variation 2079535 (VCV002079535.3), dbSNP rs370124029, ClinGen allele CA7691793.
Genomic context (GRCh38, chr15:80,513,970, plus strand): 5'-GGTGTGGAAATGCTCCTTTGGACCACCTTCCTCTAAACAGAATAACCACCATGAGGAAAA[G>A]GTTCAGGTCAGTATCTCTTCCGATGTATATTTTGGGACTGTTCTGGTAGATAGTCTAAAC-3'
Protein context (NP_055677.3, residues 252-272): PLNRITTMRK[Arg262Lys]FRNGLGPVKE

ClinVar aggregate classification (germline): Uncertain significance. Review status: criteria provided, multiple submitters, no conflicts (2 of 4 stars). 2 submissions from 2 submitters: Uncertain significance (2). Last evaluated 2023-12-18.

Allele frequency attached by ClinVar (database versions not stated): ESP Exome Variant Server 0.00015.
gnomAD v4.1: 132 of 1,612,730 alleles (0.0082%); highest among the groups gnomAD compares: Non-Finnish European, 0.01%; no homozygotes.

Submissions (2):

Ambry Genetics
Classification: Uncertain significance. Last evaluated: 2023-12-18. Review status: criteria provided, single submitter. Criteria: Ambry Variant Classification Scheme 2023. Collection method: clinical testing. Allele origin: germline.

Labcorp Genetics (formerly Invitae), Labcorp
Classification: Uncertain significance. Last evaluated: 2022-05-27. Review status: criteria provided, single submitter. Criteria: Invitae Variant Classification Sherloc (09022015). Collection method: clinical testing. Allele origin: germline.
Comment: This sequence change replaces arginine, which is basic and polar, with lysine, which is basic and polar, at codon 262 of the ARNT2 protein (p.Arg262Lys). This variant is present in population databases (rs370124029, gnomAD 0.02%). This variant has not been reported in the literature in individuals affected with ARNT2-related conditions. Algorithms developed to predict the effect of missense changes on protein structure and function (SIFT, PolyPhen-2, Align-GVGD) all suggest that this variant is likely to be tolerated. In summary, the available evidence is currently insufficient to determine the role of this variant in disease. Therefore, it has been classified as a Variant of Uncertain Significance.